The following is an entry in ClinVar:

ClinVar aggregate classification (germline): Likely pathogenic (1 of 4 stars; one submission).

Conditions:
Hereditary breast ovarian cancer syndrome. Also called: Hereditary breast and ovarian cancer syndrome; Hereditary breast and ovarian cancer syndrome (HBOC); Hereditary breast and/or ovarian cancer syndrome; Hereditary breast and ovarian cancer; Breast and ovarian cancer; BRCA1- and BRCA2-Associated Hereditary Breast and Ovarian Cancer. Identifiers: Orphanet 145, MedGen C0677776, MeSH D061325, MONDO:0003582. Disease mechanism: loss of function.

Submission:

Women's Health and Genetics/Laboratory Corporation of America, LabCorp
Classification: Likely pathogenic for Hereditary breast and ovarian cancer syndrome. Last evaluated: 2019-07-29. Review status: criteria provided, single submitter. Criteria: LabCorp Variant Classification Summary - May 2015. Collection method: clinical testing. Allele origin: germline.
Comment: Variant summary: BRCA2 c.1478delC (p.Pro493GlnfsX16) results in a premature termination codon, predicted to cause a truncation of the encoded protein or absence of the protein due to nonsense mediated decay, which are commonly known mechanisms for disease. Truncations downstream of this position have been classified as pathogenic by our laboratory (eg. c.1496_1497delAG, p.Gln499fsX14; c.1654delT, p.Ser552fsX6; c.1689G>A, p.Trp563X). The variant was absent in 239544 control chromosomes (gnomAD). To our knowledge, no occurrence of c.1478delC in individuals affected with Hereditary Breast and Ovarian Cancer and no experimental evidence demonstrating its impact on protein function have been reported. No clinical diagnostic laboratories have submitted clinical-significance assessments for this variant to ClinVar after 2014. Based on the evidence outlined above, the variant was classified as likely pathogenic.

NM_000059.4(BRCA2):c.1478del (p.Pro493fs)

Gene: BRCA2 (BRCA2 DNA repair associated; plus strand). Cytogenetic location: 13q13.1.
Variant type: Deletion.
Coding change: c.1478del on transcript NM_000059.4 (MANE Select); coding-DNA position 1478, one base deleted (C; older notation c.1478delC).
Protein change: p.Pro493fs; shifts the reading frame from proline 493.
Molecular consequence: frameshift variant.
Genome position (GRCh38, 1-based): chr13:32,332,956, C deleted; the last of 2 consecutive C bases (chr13:32,332,955-32,332,956); deleting either gives the same sequence. VCF-style (leftmost placement, unchanged base first): chr13-32332954-TC-T. GRCh37 (hg19) VCF-style: chr13-32907091-TC-T.
Other names: short protein forms P493fs.
Identifiers: ClinVar variation 928797 (VCV000928797.1), dbSNP rs2072414250, ClinGen allele CA1139663111.